The following is an entry in ClinVar:

ClinVar aggregate classification (germline): Conflicting classifications of pathogenicity. Review status: criteria provided, conflicting classifications (1 of 4 stars). 2 submissions from 2 submitters: Uncertain significance (1); Likely benign (1). Last evaluated 2024-12-20.

Conditions:
Cardiovascular phenotype. Identifiers: MedGen CN230736.

Allele frequency attached by ClinVar (database versions not stated): gnomAD exomes below 0.00001; TOPMed 0.00001; gnomAD 0.00002.
gnomAD v4.1: 9 of 1,613,834 alleles (0.00056%); highest among the groups gnomAD compares: East Asian, 0.0067%; no homozygotes.

Submissions (2):

Ambry Genetics
Classification: Likely benign for Cardiovascular phenotype. Last evaluated: 2024-12-20. Review status: criteria provided, single submitter. Criteria: Ambry Variant Classification Scheme 2023. Collection method: clinical testing. Allele origin: germline.

Mayo Clinic Laboratories, Mayo Clinic
Classification: Uncertain significance. Last evaluated: 2023-09-29. Review status: criteria provided, single submitter. Criteria: ACMG Guidelines, 2015. Collection method: clinical testing. Allele origin: germline. Observed: 1 variant allele.
Comment: BP4, PM2

NM_001365276.2(TNXB):c.5942C>T (p.Thr1981Ile)

Gene: TNXB (tenascin XB; minus strand). Cytogenetic location: 6p21.33.
Variant type: single nucleotide variant.
Coding change: c.5942C>T on transcript NM_001365276.2 (MANE Select); coding-DNA position 5942, C replaced by T.
Protein change: p.Thr1981Ile; replaces threonine 1981 with isoleucine.
Molecular consequence: missense variant.
Genome position (GRCh38, 1-based): chr6:32,068,668, G>A on the plus strand (C>T on the coding strand, the complement: TNXB is on the minus strand). VCF-style: chr6-32068668-G-A. GRCh37 (hg19) VCF-style: chr6-32036445-G-A.
Other names: p.Thr1981Ile; c.6683C>T, p.Thr2228Ile (NM_001428335.1); c.5942C>T, p.Thr1981Ile (NM_019105.8); short protein forms T1981I, T2228I.
Identifiers: ClinVar variation 3227296 (VCV003227296.3), dbSNP rs1230512934, ClinGen allele CA363405370.